The following is an entry in ClinVar:

ClinVar aggregate classification (germline): Benign/Likely benign. Review status: criteria provided, multiple submitters, no conflicts (2 of 4 stars). 6 submissions from 6 submitters: Benign (3); Likely benign (1). 2 of the submissions do not count toward it. Last evaluated 2024-11-27.

Allele frequency attached by ClinVar (database versions not stated): 1000 Genomes Project 30x 0.02124; 1000 Genomes Project 0.02137; ESP Exome Variant Server 0.02552; gnomAD 0.03273 and 0.03348; TOPMed 0.03456; gnomAD exomes 0.04918; ExAC 0.10552.
gnomAD v4.1: 61,047 of 1,327,418 alleles (4.6%); highest among the groups gnomAD compares: Non-Finnish European, 5.3%; 1,692 homozygotes.

Submissions (6):

Blueprint Genetics
Classification: Likely benign. Last evaluated: 2024-11-27. Review status: criteria provided, single submitter. Criteria: ACMG Guidelines, 2015. Collection method: clinical testing. Allele origin: germline.

GeneDx
Classification: Benign. Last evaluated: 2016-01-20. Review status: criteria provided, single submitter. Criteria: GeneDx Variant Classification (06012015). Collection method: clinical testing. Allele origin: germline. Affected: yes.
Comment: This variant is considered likely benign or benign based on one or more of the following criteria: it is a conservative change, it occurs at a poorly conserved position in the protein, it is predicted to be benign by multiple in silico algorithms, and/or has population frequency not consistent with disease.

Breakthrough Genomics
Classification: Benign. Review status: criteria provided, single submitter. Criteria: ACMG Guidelines, 2015. Collection method: not provided. Allele origin: germline. Inheritance: Autosomal dominant inheritance. Affected: yes.

PreventionGenetics, part of Exact Sciences
Classification: Benign. Review status: criteria provided, single submitter. Criteria: ACMG Guidelines, 2015. Collection method: clinical testing. Allele origin: germline.

Genome Diagnostics Laboratory, University Medical Center Utrecht
Classification: Benign. Review status: no assertion criteria provided. Collection method: clinical testing. Allele origin: germline. Affected: yes. Study: VKGL Data-share Consensus. Not counted in ClinVar's aggregate classification.

Laboratory of Diagnostic Genome Analysis, Leiden University Medical Center (LUMC)
Classification: Benign. Review status: no assertion criteria provided. Collection method: clinical testing. Allele origin: germline. Affected: yes. Study: VKGL Data-share Consensus. Not counted in ClinVar's aggregate classification.

NM_001127222.2(CACNA1A):c.6837G>A (p.Pro2279=)

Gene: CACNA1A (calcium voltage-gated channel subunit alpha1 A; minus strand). Cytogenetic location: 19p13.13.
Variant type: single nucleotide variant.
Coding change: c.6837G>A on transcript NM_001127222.2 (MANE Select); coding-DNA position 6837, G replaced by A.
Protein change: p.Pro2279=; no amino-acid change (proline 2279 retained).
Molecular consequence: synonymous variant. On other transcripts: 3 prime UTR variant (3).
Genome position (GRCh38, 1-based): chr19:13,207,997, C>T on the plus strand (G>A on the coding strand, the complement: CACNA1A is on the minus strand). VCF-style: chr19-13207997-C-T. GRCh37 (hg19) VCF-style: chr19-13318811-C-T.
Other names: c.*49G>A (NM_000068.4, NM_001127221.2, NM_001174080.2); c.6855G>A, p.Pro2285= (NM_023035.3).
Identifiers: ClinVar variation 257512 (VCV000257512.5), dbSNP rs147221323, ClinGen allele CA9239241.
Genomic context (GRCh38, chr19:13,207,997, plus strand): 5'-ATAGGACACGTGTGGCCGGGGGGTGGAGGGGGTCTGGGGGAGCTGGCGGCGGCCCCGCCG[C>T]GGAGTGCTGGTACCAGATGTTGAGGGGGCTGGGCTTCCACTTACGGAACTACTGCCCTAC-3'
Protein context (NP_001120694.1, residues 2269-2289): PAPSTSGTST[Pro2279=]RRGRRQLPQT